The following is an entry in ClinVar:

ClinVar aggregate classification (germline): Conflicting classifications of pathogenicity. Review status: criteria provided, conflicting classifications (1 of 4 stars). 2 submissions from 2 submitters: Uncertain significance (1); Likely benign (1). Last evaluated 2025-06-22.

Conditions:
Familial adenomatous polyposis 2. Also called: MUTYH-associated polyposis; Adenomas, multiple colorectal; FAP type 2; MUTYH-related attenuated familial adenomatous polyposis; COLORECTAL ADENOMATOUS POLYPOSIS, AUTOSOMAL RECESSIVE; ADENOMAS, MULTIPLE COLORECTAL, AUTOSOMAL RECESSIVE. Identifiers: Orphanet 220460, Orphanet 247798, MedGen C3272841, MONDO:0012041, OMIM 608456.
Hereditary cancer-predisposing syndrome. Also called: Hereditary Cancer Syndrome; Neoplastic Syndromes, Hereditary; Hereditary neoplastic syndrome; Tumor predisposition. Identifiers: Orphanet 140162, MedGen C0027672, MeSH D009386, MONDO:0015356.

Submissions (2):

Labcorp Genetics (formerly Invitae), Labcorp
Classification: Likely benign for Familial adenomatous polyposis 2. Last evaluated: 2025-06-22. Review status: criteria provided, single submitter. Criteria: Invitae Variant Classification Sherloc (09022015). Collection method: clinical testing. Allele origin: germline.

Molecular Diagnostics Laboratory, Catalan Institute of Oncology
Classification: Uncertain significance for Hereditary cancer-predisposing syndrome. Last evaluated: 2024-09-15. Review status: criteria provided, single submitter. Criteria: ACMG Guidelines, 2015. Collection method: clinical testing. Allele origin: germline.
Comment: PM2_Supporting, BP7 c.1368T>C, located in exon 14 of the MUTYH gene, is predicted to result in no amino acid change, p.(Tyr456=) and spliceAI predicts that there could be a gain of a new donor with a low value of 0.13( BP7).It is not present in the population database gnomAD v2.1.1, non cancer dataset (PM2_supporting). To our knowledge, neither relevant clinical data nor well-established functional studies have been reported for this variant. This variant has not been identified either in ClinVar, InSiGHT or LOVD databases. Based on currently available information, the variant c.1368T>C should be considered an unknown significant variant.

NM_001048174.2(MUTYH):c.1284T>C (p.Tyr428=)

Gene: MUTYH (mutY DNA glycosylase; minus strand). Cytogenetic location: 1p34.1.
Variant type: single nucleotide variant.
Coding change: c.1284T>C on transcript NM_001048174.2 (MANE Select); coding-DNA position 1284, T replaced by C.
Protein change: p.Tyr428=; no amino-acid change (tyrosine 428 retained).
Molecular consequence: synonymous variant. On other transcripts: non-coding transcript variant (7).
Genome position (GRCh38, 1-based): chr1:45,331,290, A>G on the plus strand (T>C on the coding strand, the complement: MUTYH is on the minus strand). VCF-style: chr1-45331290-A-G. GRCh37 (hg19) VCF-style: chr1-45796962-A-G.
Other names: c.1368T>C, p.Tyr456= (NM_001128425.2); c.1329T>C, p.Tyr443= (NM_001293190.2); c.1317T>C, p.Tyr439= (NM_001293191.2, NM_001407069.1, NM_001407077.1); c.1008T>C, p.Tyr336= (NM_001293192.2, NM_001293196.2, NM_001407091.1); c.1284T>C, p.Tyr428= (NM_001293195.2, NM_001407070.1, NM_001407072.1 and 6 more transcripts); c.939T>C, p.Tyr313= (NM_001350650.2, NM_001350651.2, NM_001407082.1); c.1287T>C, p.Tyr429= (NM_001407071.1, NM_001407078.1, NM_001048172.2 and 1 more transcripts); c.1200T>C, p.Tyr400= (NM_001407075.1); and 5 more.
Identifiers: ClinVar variation 3774481 (VCV003774481.2).